The following is an entry in ClinVar:

NM_014000.3(VCL):c.1198G>T (p.Gly400Cys)

Gene: VCL (vinculin; plus strand). Cytogenetic location: 10q22.2.
Variant type: single nucleotide variant.
Coding change: c.1198G>T on transcript NM_014000.3 (MANE Select); coding-DNA position 1198, G replaced by T.
Protein change: p.Gly400Cys; replaces glycine 400 with cysteine.
Molecular consequence: missense variant.
Genome position (GRCh38, 1-based): chr10:74,090,044, G>T. VCF-style: chr10-74090044-G-T. GRCh37 (hg19) VCF-style: chr10-75849802-G-T.
Other names: c.1198G>T, p.Gly400Cys (NM_003373.4); short protein forms G400C.
Identifiers: ClinVar variation 166542 (VCV000166542.17), dbSNP rs201361282, ClinGen allele CA179602.

ClinVar aggregate classification (germline): Uncertain significance. Review status: criteria provided, multiple submitters, no conflicts (2 of 4 stars). 6 submissions from 6 submitters: Uncertain significance (6). Last evaluated 2026-04-29.

Conditions:
Cardiovascular phenotype. Identifiers: MedGen CN230736.
VCL-related disorder. Also called: VCL-related condition.
Dilated cardiomyopathy 1W (CMD1W). Identifiers: Orphanet 154, MedGen C1969639, MONDO:0012667, OMIM 611407.

Allele frequency attached by ClinVar (database versions not stated): gnomAD below 0.00001 and 0.00001; TOPMed below 0.00001; gnomAD exomes 0.00001 and 0.00002; ExAC 0.00003.
gnomAD v4.1: 23 of 1,613,874 alleles (0.0014%); highest among the groups gnomAD compares: South Asian, 0.023%; no homozygotes.

Submissions (6):

PreventionGenetics, part of Exact Sciences
Classification: Uncertain significance for VCL-related condition. Last evaluated: 2026-04-29. Review status: criteria provided, single submitter. Criteria: ACMG Guidelines, 2015. Collection method: clinical testing. Allele origin: germline.
Comment: The VCL c.1198G>T variant is predicted to result in the amino acid substitution p.Gly400Cys. To our knowledge, this variant has not been reported in the literature in individuals with VCL-related disorders. This variant is reported in 0.020% of alleles in individuals of South Asian descent in gnomAD. At this time, the clinical significance of this variant is uncertain due to the absence of conclusive functional and genetic evidence.

Ambry Genetics
Classification: Uncertain significance for Cardiovascular phenotype. Last evaluated: 2025-06-18. Review status: criteria provided, single submitter. Criteria: Ambry Variant Classification Scheme 2023. Collection method: clinical testing. Allele origin: germline.

Labcorp Genetics (formerly Invitae), Labcorp
Classification: Uncertain significance for Dilated cardiomyopathy 1W. Last evaluated: 2021-08-31. Review status: criteria provided, single submitter. Criteria: Invitae Variant Classification Sherloc (09022015). Collection method: clinical testing. Allele origin: germline.

Laboratory for Molecular Medicine, Mass General Brigham Personalized Medicine
Classification: Uncertain significance. Last evaluated: 2019-07-26. Review status: criteria provided, single submitter. Criteria: ACMG Guidelines, 2015. Collection method: clinical testing. Allele origin: germline.
Comment: This variant has also been reported in ClinVar (Variation ID 166542). Computational prediction tools and conservation analysis do not provide strong support for or against an impact to the protein. In summary, the clinical significance of this variant is uncertain. ACMG/AMP Criteria applied: BS1_Supporting.

GeneDx
Classification: Uncertain significance. Last evaluated: 2019-04-01. Review status: criteria provided, single submitter. Criteria: GeneDx Variant Classification Process June 2021. Collection method: clinical testing. Allele origin: germline. Affected: yes.
Comment: Has not been previously published as pathogenic or benign to our knowledge; Reported in ClinVar but additional evidence is not available (ClinVar Variant ID# 166542; Landrum et al., 2016); In silico analysis, which includes protein predictors and evolutionary conservation, supports that this variant does not alter protein structure/function

Biesecker Lab/Clinical Genomics Section, National Institutes of Health
Classification: Uncertain significance. Last evaluated: 2013-06-24. Review status: criteria provided, single submitter. Criteria: Ng et al. (Circ Cardiovasc Genet. 2013). Collection method: research. Allele origin: unknown. Observed: 1 variant allele. Study: ClinSeq.
Comment: The study set was not selected for affection status in relation to any cancer. Pathogenicity categories were based on literature curation. See Pubmed ID:23861362 for details.

Medical sequencing